The following is an entry in ClinVar:

NM_000038.6(APC):c.1262G>A (p.Trp421Ter)

Gene: APC (APC regulator of Wnt signaling pathway; plus strand). Cytogenetic location: 5q22.2.
Variant type: single nucleotide variant.
Coding change: c.1262G>A on transcript NM_000038.6 (MANE Select); coding-DNA position 1262, G replaced by A.
Protein change: p.Trp421Ter; replaces tryptophan 421 with a stop codon.
Molecular consequence: nonsense.
Genome position (GRCh38, 1-based): chr5:112,819,294, G>A. VCF-style: chr5-112819294-G-A. GRCh37 (hg19) VCF-style: chr5-112154991-G-A.
Other names: c.1187G>A, p.Trp396Ter (NM_001354898.2); c.1178G>A, p.Trp393Ter (NM_001354899.2); c.1085G>A, p.Trp362Ter (NM_001354900.2, NM_001354901.2); c.989G>A, p.Trp330Ter (NM_001354902.2); c.959G>A, p.Trp320Ter (NM_001354903.2); c.884G>A, p.Trp295Ter (NM_001354904.2); c.782G>A, p.Trp261Ter (NM_001354905.2); c.413G>A, p.Trp138Ter (NM_001354906.2); and 3 more; short protein forms W403*, W421*, W138*, W295*, W396*, W320*, W362*, W431*.
Identifiers: ClinVar variation 188244 (VCV000188244.14), dbSNP rs559510809, ClinGen allele CA004112.

ClinVar aggregate classification (germline): Pathogenic. Review status: criteria provided, multiple submitters, no conflicts (2 of 4 stars). 4 submissions from 4 submitters: Pathogenic (4). Last evaluated 2025-02-18.

Conditions:
Hereditary cancer-predisposing syndrome. Also called: Neoplastic Syndromes, Hereditary; Tumor predisposition; Hereditary Cancer Syndrome; Hereditary neoplastic syndrome. Identifiers: Orphanet 140162, MedGen C0027672, MeSH D009386, MONDO:0015356.
Familial adenomatous polyposis 1 (FAP1). Also called: FAMILIAL ADENOMATOUS POLYPOSIS 1, ATTENUATED; POLYPOSIS, ADENOMATOUS INTESTINAL. Identifiers: MedGen C2713442, MONDO:0021056, OMIM 175100. Disease mechanism: loss of function.

Submissions (4):

Labcorp Genetics (formerly Invitae), Labcorp
Classification: Pathogenic for Familial adenomatous polyposis 1. Last evaluated: 2025-02-18. Review status: criteria provided, single submitter. Criteria: Invitae Variant Classification Sherloc (09022015). Collection method: clinical testing. Allele origin: germline.
Comment: This sequence change creates a premature translational stop signal (p.Trp421*) in the APC gene. It is expected to result in an absent or disrupted protein product. Loss-of-function variants in APC are known to be pathogenic (PMID: 17963004, 20685668). This variant is not present in population databases (gnomAD no frequency). This variant has not been reported in the literature in individuals affected with APC-related conditions. ClinVar contains an entry for this variant (Variation ID: 188244). For these reasons, this variant has been classified as Pathogenic.

Quest Diagnostics Nichols Institute San Juan Capistrano
Classification: Pathogenic. Last evaluated: 2024-11-10. Review status: criteria provided, single submitter. Criteria: Quest Diagnostics criteria. Collection method: clinical testing. Allele origin: unknown.
Comment: The APC c.1262G>A (p.Trp421*) variant causes the premature termination of APC protein synthesis. This variant has been reported in the published literature in an individual affected with familial adenomatous polyposis (PMID: 20924072 (2011)). This variant has not been reported in large, multi-ethnic general populations (Genome Aggregation Database). Based on the available information, this variant is classified as pathogenic.

Myriad Genetics, Inc.
Classification: Pathogenic for Familial adenomatous polyposis 1. Last evaluated: 2023-05-01. Review status: criteria provided, single submitter. Criteria: Myriad Autosomal Dominant, Autosomal Recessive and X-Linked Classification Criteria (2023). Collection method: clinical testing. Allele origin: unknown.
Comment: This variant is considered pathogenic. This variant creates a termination codon and is predicted to result in premature protein truncation.

Ambry Genetics
Classification: Pathogenic for Hereditary cancer-predisposing syndrome. Last evaluated: 2023-03-23. Review status: criteria provided, single submitter. Criteria: Ambry Variant Classification Scheme 2023. Collection method: clinical testing. Allele origin: germline.
Comment: The p.W421* pathogenic mutation (also known as c.1262G>A), located in coding exon 9 of the APC gene, results from a G to A substitution at nucleotide position 1262. This changes the amino acid from a tryptophan to a stop codon within coding exon 9. In addition to the clinical data presented in the literature, this alteration is expected to result in loss of function by premature protein truncation or nonsense-mediated mRNA decay. This variant is considered to be rare based on population cohorts in the Genome Aggregation Database (gnomAD). As such, this alteration is interpreted as a disease-causing mutation.

Literature cited by the submitters: PubMed 17963004 (cited by Labcorp Genetics (formerly Invitae), Labcorp); PubMed 20685668 (cited by Labcorp Genetics (formerly Invitae), Labcorp); PubMed 20924072 (cited by Quest Diagnostics Nichols Institute San Juan Capistrano and Ambry Genetics).